The following is an entry in ClinVar:

ClinVar aggregate classification (germline): Uncertain significance (1 of 4 stars; one submission).

Submission:

Labcorp Genetics (formerly Invitae), Labcorp
Classification: Uncertain significance. Last evaluated: 2022-07-11. Review status: criteria provided, single submitter. Criteria: Invitae Variant Classification Sherloc (09022015). Collection method: clinical testing. Allele origin: germline.
Comment: In summary, the available evidence is currently insufficient to determine the role of this variant in disease. Therefore, it has been classified as a Variant of Uncertain Significance. Algorithms developed to predict the effect of missense changes on protein structure and function output the following: SIFT: "Tolerated"; PolyPhen-2: "Benign"; Align-GVGD: "Class C0". The valine amino acid residue is found in multiple mammalian species, which suggests that this missense change does not adversely affect protein function. This variant has not been reported in the literature in individuals affected with HMCN1-related conditions. This variant is not present in population databases (gnomAD no frequency). This sequence change replaces isoleucine, which is neutral and non-polar, with valine, which is neutral and non-polar, at codon 5193 of the HMCN1 protein (p.Ile5193Val).

NM_031935.3(HMCN1):c.15577A>G (p.Ile5193Val)

Gene: HMCN1 (hemicentin 1; plus strand). Cytogenetic location: 1q31.1.
Variant type: single nucleotide variant.
Coding change: c.15577A>G on transcript NM_031935.3 (MANE Select); coding-DNA position 15577, A replaced by G.
Protein change: p.Ile5193Val; replaces isoleucine 5193 with valine.
Molecular consequence: missense variant.
Genome position (GRCh38, 1-based): chr1:186,171,339, A>G. VCF-style: chr1-186171339-A-G. GRCh37 (hg19) VCF-style: chr1-186140471-A-G.
Other names: short protein forms I5193V.
Identifiers: ClinVar variation 1933745 (VCV001933745.5), dbSNP rs1652219197, ClinGen allele CA343932002.
Genomic context (GRCh38, chr1:186,171,339, plus strand): 5'-TTGGGATAAATTCAGGTTTCCTAATAGCATATAATGAAAGTTTTGTTTTATTTAACAGAT[A>G]TTAATGAATGTCAAGAATCCAGCCCCTGTCACCAGCGCTGTTTCAATGCCATAGGAAGTT-3'
Protein context (NP_114141.2, residues 5183-5203): RTSDGLSCQD[Ile5193Val]NECQESSPCH